The following is an entry in ClinVar:

ClinVar aggregate classification (germline): Uncertain significance. Review status: criteria provided, multiple submitters, no conflicts (2 of 4 stars). 5 submissions from 5 submitters: Uncertain significance (5). Last evaluated 2026-01-31.

Conditions:
Hereditary cancer-predisposing syndrome. Also called: Tumor predisposition; Neoplastic Syndromes, Hereditary; Hereditary Cancer Syndrome; Hereditary neoplastic syndrome. Identifiers: Orphanet 140162, MedGen C0027672, MeSH D009386, MONDO:0015356.

Allele frequency attached by ClinVar (database versions not stated): gnomAD 0.00002 and 0.00003; gnomAD exomes 0.00004 and 0.00006; ExAC 0.00005; TOPMed 0.00005.
gnomAD v4.1: 96 of 1,595,744 alleles (0.006%); highest among the groups gnomAD compares: Middle Eastern, 0.033%; no homozygotes.

Submissions (5):

Labcorp Genetics (formerly Invitae), Labcorp
Classification: Uncertain significance. Last evaluated: 2026-01-31. Review status: criteria provided, single submitter. Criteria: Invitae Variant Classification Sherloc (09022015). Collection method: clinical testing. Allele origin: germline.
Comment: This sequence change replaces glutamic acid, which is acidic and polar, with lysine, which is basic and polar, at codon 491 of the POLE protein (p.Glu491Lys). This variant is present in population databases (rs776770625, gnomAD 0.01%). This variant has not been reported in the literature in individuals affected with POLE-related conditions. ClinVar contains an entry for this variant (Variation ID: 240395). An algorithm developed to predict the effect of missense changes on protein structure and function (PolyPhen-2) suggests that this variant is likely to be disruptive. In summary, the available evidence is currently insufficient to determine the role of this variant in disease. Therefore, it has been classified as a Variant of Uncertain Significance.

Center for Genomic Medicine, Rigshospitalet, Copenhagen University Hospital
Classification: Uncertain significance. Last evaluated: 2025-12-29. Review status: criteria provided, single submitter. Criteria: ACMG Guidelines, 2015. Collection method: clinical testing. Allele origin: germline.

Ambry Genetics
Classification: Uncertain significance for Hereditary cancer-predisposing syndrome. Last evaluated: 2025-01-22. Review status: criteria provided, single submitter. Criteria: Ambry Variant Classification Scheme 2023. Collection method: clinical testing. Allele origin: germline.
Comment: The p.E491K variant (also known as c.1471G>A), located in coding exon 14 of the POLE gene, results from a G to A substitution at nucleotide position 1471. The glutamic acid at codon 491 is replaced by lysine, an amino acid with similar properties. This amino acid position is conserved. In addition, the in silico prediction for this alteration is inconclusive. Based on the available evidence, the clinical significance of this variant remains unclear.

GeneDx
Classification: Uncertain significance. Last evaluated: 2024-04-05. Review status: criteria provided, single submitter. Criteria: GeneDx Variant Classification Process June 2021. Collection method: clinical testing. Allele origin: germline. Affected: yes.
Comment: In silico analysis supports that this missense variant has a deleterious effect on protein structure/function; Has not been previously published as pathogenic or benign to our knowledge; This variant is associated with the following publications: (PMID: 28179590)

Breakthrough Genomics
Classification: Uncertain significance. Review status: criteria provided, single submitter. Criteria: ACMG Guidelines, 2015. Collection method: not provided. Allele origin: germline. Inheritance: Autosomal recessive inheritance. Affected: yes.

NM_006231.4(POLE):c.1471G>A (p.Glu491Lys)

Gene: POLE (DNA polymerase epsilon, catalytic subunit; minus strand). Cytogenetic location: 12q24.33.
Variant type: single nucleotide variant.
Coding change: c.1471G>A on transcript NM_006231.4 (MANE Select); coding-DNA position 1471, G replaced by A.
Protein change: p.Glu491Lys; replaces glutamic acid 491 with lysine.
Molecular consequence: missense variant.
Genome position (GRCh38, 1-based): chr12:132,673,166, C>T on the plus strand (G>A on the coding strand, the complement: POLE is on the minus strand). VCF-style: chr12-132673166-C-T. GRCh37 (hg19) VCF-style: chr12-133249752-C-T.
Other names: short protein forms E491K.
Identifiers: ClinVar variation 240395 (VCV000240395.26), dbSNP rs776770625, ClinGen allele CA6893955.